The following is an entry in ClinVar:

ClinVar aggregate classification (germline): Uncertain significance (1 of 4 stars; one submission).

Submission:

Labcorp Genetics (formerly Invitae), Labcorp
Classification: Uncertain significance. Last evaluated: 2025-01-15. Review status: criteria provided, single submitter. Criteria: Invitae Variant Classification Sherloc (09022015). Collection method: clinical testing. Allele origin: germline.
Comment: This sequence change replaces proline, which is neutral and non-polar, with serine, which is neutral and polar, at codon 299 of the ERCC6 protein (p.Pro299Ser). This variant is not present in population databases (gnomAD no frequency). This variant has not been reported in the literature in individuals affected with ERCC6-related conditions. ClinVar contains an entry for this variant (Variation ID: 1716027). Invitae Evidence Modeling of protein sequence and biophysical properties (such as structural, functional, and spatial information, amino acid conservation, physicochemical variation, residue mobility, and thermodynamic stability) indicates that this missense variant is not expected to disrupt ERCC6 protein function with a negative predictive value of 95%. In summary, the available evidence is currently insufficient to determine the role of this variant in disease. Therefore, it has been classified as a Variant of Uncertain Significance.

NM_000124.4(ERCC6):c.895C>T (p.Pro299Ser)

Gene: ERCC6 (ERCC excision repair 6, chromatin remodeling factor; minus strand). Cytogenetic location: 10q11.23.
Variant type: single nucleotide variant.
Coding change: c.895C>T on transcript NM_000124.4 (MANE Select); coding-DNA position 895, C replaced by T.
Protein change: p.Pro299Ser; replaces proline 299 with serine.
Molecular consequence: missense variant.
Genome position (GRCh38, 1-based): chr10:49,524,535, G>A on the plus strand (C>T on the coding strand, the complement: ERCC6 is on the minus strand). VCF-style: chr10-49524535-G-A. GRCh37 (hg19) VCF-style: chr10-50732581-G-A.
Other names: c.895C>T, p.Pro299Ser (NM_001277058.2, NM_001277059.2, NM_001346440.2); short protein forms P299S.
Identifiers: ClinVar variation 1716027 (VCV001716027.4), dbSNP rs2496140858, ClinGen allele CA376754108.